The following is an entry in ClinVar:

ClinVar aggregate classification (germline): Uncertain significance (1 of 4 stars; one submission).

gnomAD v4.1: 18 of 1,560,948 alleles (0.0012%); highest among the groups gnomAD compares: Non-Finnish European, 0.0016%; no homozygotes.

Submission:

Labcorp Genetics (formerly Invitae), Labcorp
Classification: Uncertain significance. Last evaluated: 2022-03-19. Review status: criteria provided, single submitter. Criteria: Invitae Variant Classification Sherloc (09022015). Collection method: clinical testing. Allele origin: germline.
Comment: This sequence change replaces isoleucine, which is neutral and non-polar, with threonine, which is neutral and polar, at codon 811 of the DCHS1 protein (p.Ile811Thr). This variant is not present in population databases (gnomAD no frequency). This variant has not been reported in the literature in individuals affected with DCHS1-related conditions. Advanced modeling of protein sequence and biophysical properties (such as structural, functional, and spatial information, amino acid conservation, physicochemical variation, residue mobility, and thermodynamic stability) performed at Invitae indicates that this missense variant is not expected to disrupt DCHS1 protein function. In summary, the available evidence is currently insufficient to determine the role of this variant in disease. Therefore, it has been classified as a Variant of Uncertain Significance.

NM_003737.4(DCHS1):c.2432T>C (p.Ile811Thr)

Gene: DCHS1 (dachsous cadherin-related 1; minus strand). Cytogenetic location: 11p15.4.
Variant type: single nucleotide variant.
Coding change: c.2432T>C on transcript NM_003737.4 (MANE Select); coding-DNA position 2432, T replaced by C.
Protein change: p.Ile811Thr; replaces isoleucine 811 with threonine.
Molecular consequence: missense variant.
Genome position (GRCh38, 1-based): chr11:6,633,435, A>G on the plus strand (T>C on the coding strand, the complement: DCHS1 is on the minus strand). VCF-style: chr11-6633435-A-G. GRCh37 (hg19) VCF-style: chr11-6654666-A-G.
Other names: short protein forms I811T.
Identifiers: ClinVar variation 2114728 (VCV002114728.4), dbSNP rs746256155, ClinGen allele CA5860737.